The following is an entry in ClinVar:

NM_001370785.2(LRRC7):c.2857C>T (p.Arg953Cys)

Genes: LRRC7 (leucine rich repeat containing 7; plus strand), LRRC7-AS1 (LRRC7 antisense RNA 1; minus strand). Cytogenetic location: 1p31.1.
Variant type: single nucleotide variant.
Coding change: c.2857C>T on transcript NM_001370785.2 (MANE Select); coding-DNA position 2857, C replaced by T.
Protein change: p.Arg953Cys; replaces arginine 953 with cysteine.
Molecular consequence: missense variant. On other transcripts: non-coding transcript variant (1).
Genome position (GRCh38, 1-based): chr1:70,038,681, C>T. VCF-style: chr1-70038681-C-T. GRCh37 (hg19) VCF-style: chr1-70504364-C-T.
Other names: c.2758C>T, p.Arg920Cys (NM_001330635.3, NM_001366841.1); c.2860C>T, p.Arg954Cys (NM_001350216.3); c.2857C>T, p.Arg953Cys (NM_001366838.3); c.2698C>T, p.Arg900Cys (NM_001366839.3); short protein forms R900C, R920C, R953C, R954C.
Identifiers: ClinVar variation 4875500 (VCV004875500.2).

ClinVar aggregate classification (germline): Likely benign (1 of 4 stars; one submission).

gnomAD v4.1: 185 of 1,614,074 alleles (0.011%); highest among the groups gnomAD compares: Middle Eastern, 0.066%; 1 homozygote.

Submission:

CeGaT Center for Human Genetics Tuebingen
Classification: Likely benign. Last evaluated: 2026-04-01. Review status: criteria provided, single submitter. Criteria: CeGaT Center For Human Genetics Tuebingen Variant Classification Criteria Version 2. Collection method: clinical testing. Allele origin: germline. Affected: yes. Observed: 1 variant allele.
Comment: LRRC7: BP4